The following is an entry in ClinVar:

ClinVar aggregate classification (germline): Uncertain significance. Review status: criteria provided, multiple submitters, no conflicts (2 of 4 stars). 3 submissions from 3 submitters: Uncertain significance (3). Last evaluated 2024-11-26.

Conditions:
Familial melanoma. Also called: Hereditary melanoma; Hereditary cutaneous melanoma. Identifiers: Orphanet 618, MedGen C1512419, MONDO:0018961.
Hereditary cancer-predisposing syndrome. Also called: Neoplastic Syndromes, Hereditary; Hereditary Cancer Syndrome; Tumor predisposition; Hereditary neoplastic syndrome. Identifiers: Orphanet 140162, MedGen C0027672, MeSH D009386, MONDO:0015356.

Allele frequency attached by ClinVar (database versions not stated): gnomAD 0.00001; TOPMed below 0.00001.
gnomAD v4.1: 16 of 1,605,770 alleles (0.001%); highest among the groups gnomAD compares: South Asian, 0.0022%; no homozygotes.

Submissions (3):

Ambry Genetics
Classification: Uncertain significance for Hereditary cancer-predisposing syndrome. Last evaluated: 2024-11-26. Review status: criteria provided, single submitter. Criteria: Ambry Variant Classification Scheme 2023. Collection method: clinical testing. Allele origin: germline.
Comment: The p.A41T variant (also known as c.121G>A), located in coding exon 1 of the CDKN2A (p14ARF) gene, results from a G to A substitution at nucleotide position 121. The alanine at codon 41 is replaced by threonine, an amino acid with similar properties. This amino acid position is well conserved on limited sequence alignment. In addition, this alteration is predicted to be tolerated by in silico analysis. Based on the available evidence, the clinical significance of this variant remains unclear.

Labcorp Genetics (formerly Invitae), Labcorp
Classification: Uncertain significance for Familial melanoma. Last evaluated: 2021-07-14. Review status: criteria provided, single submitter. Criteria: Invitae Variant Classification Sherloc (09022015). Collection method: clinical testing. Allele origin: germline.

GeneDx
Classification: Uncertain significance. Last evaluated: 2019-09-20. Review status: criteria provided, single submitter. Criteria: GeneDx Variant Classification Process June 2021. Collection method: clinical testing. Allele origin: germline. Affected: yes.
Comment: In silico analysis, which includes protein predictors and evolutionary conservation, supports a deleterious effect; Has not been previously published as pathogenic or benign to our knowledge; No data available from control populations to assess the frequency of this variant; Results in the change of an Alanine to a Threonine (GCC>ACC) in exon 1 of the p14-ARF protein.

NM_058195.4(CDKN2A):c.121G>A (p.Ala41Thr)

Gene: CDKN2A (cyclin dependent kinase inhibitor 2A; minus strand). Cytogenetic location: 9p21.3.
Variant type: single nucleotide variant.
Coding change: c.121G>A on transcript NM_058195.4 (MANE Plus Clinical); coding-DNA position 121, G replaced by A.
Protein change: p.Ala41Thr; replaces alanine 41 with threonine.
Molecular consequence: missense variant. On other transcripts: intron variant (1).
Genome position (GRCh38, 1-based): chr9:21,994,211, C>T on the plus strand (G>A on the coding strand, the complement: CDKN2A is on the minus strand). VCF-style: chr9-21994211-C-T. GRCh37 (hg19) VCF-style: chr9-21994210-C-T.
Other names: c.-4+610G>A (NM_001363763.2); short protein forms A41T.
Identifiers: ClinVar variation 419008 (VCV000419008.13), dbSNP rs1064793582, ClinGen allele CA16618840.